The following is an entry in ClinVar:

ClinVar aggregate classification (germline): Benign. Review status: criteria provided, single submitter (1 of 4 stars). 2 submissions from 2 submitters: Benign (1). 1 of the submissions does not count toward it. Last evaluated 2018-02-20.

Conditions:
YTHDC2-related disorder. Also called: YTHDC2-related condition.

Allele frequency attached by ClinVar (database versions not stated): gnomAD exomes 0.00030 and 0.00083; ExAC 0.00098; ESP Exome Variant Server 0.00269; 1000 Genomes Project 30x 0.00297; gnomAD 0.00299 and 0.00314; 1000 Genomes Project 0.00319; TOPMed 0.00327.

Submissions (2):

Labcorp Genetics (formerly Invitae), Labcorp
Classification: Benign. Last evaluated: 2018-02-20. Review status: criteria provided, single submitter. Criteria: Invitae Variant Classification Sherloc (09022015). Collection method: clinical testing. Allele origin: germline.

PreventionGenetics, part of Exact Sciences
Classification: Benign for YTHDC2-related condition. Last evaluated: 2019-03-28. Review status: no assertion criteria provided. Collection method: clinical testing. Allele origin: germline. Not counted in ClinVar's aggregate classification.
Comment: This variant is classified as benign based on ACMG/AMP sequence variant interpretation guidelines (Richards et al. 2015 PMID: 25741868, with internal and published modifications).

NM_022828.5(YTHDC2):c.3856A>G (p.Met1286Val)

Gene: YTHDC2 (YTH N6-methyladenosine RNA binding protein C2; plus strand). Cytogenetic location: 5q22.2.
Variant type: single nucleotide variant.
Coding change: c.3856A>G on transcript NM_022828.5 (MANE Select); coding-DNA position 3856, A replaced by G.
Protein change: p.Met1286Val; replaces methionine 1286 with valine.
Molecular consequence: missense variant.
Genome position (GRCh38, 1-based): chr5:113,591,071, A>G. VCF-style: chr5-113591071-A-G. GRCh37 (hg19) VCF-style: chr5-112926768-A-G.
Other names: c.3370A>G, p.Met1124Val (NM_001345975.2); c.2956A>G, p.Met986Val (NM_001345976.2); c.3856A>G (NM_022828.4); short protein forms M1124V, M1286V, M986V.
Identifiers: ClinVar variation 710247 (VCV000710247.5), dbSNP rs112988767, ClinGen allele CA3372592.
Genomic context (GRCh38, chr5:113,591,071, plus strand): 5'-CCTTTCAAGAACTTATGTTTTCTTTTATAGGGCTCAAAATCTCCTTCGCCAAGACCAAAC[A>G]TGCCTGTTCGATACTTCATAATGAAGAGTAGCAATTTGAGAAACCTTGAAATTTCTCAAC-3'
Protein context (NP_073739.3, residues 1276-1296): GSKSPSPRPN[Met1286Val]PVRYFIMKSS